The following is an entry in ClinVar:

ClinVar aggregate classification (germline): Uncertain significance. Review status: criteria provided, single submitter (1 of 4 stars). 2 submissions from 2 submitters: Uncertain significance (1). 1 of the submissions does not count toward it. Last evaluated 2025-11-13.

Conditions:
RPH3A-related condition.
Inborn genetic diseases. Identifiers: MedGen C0950123, MeSH D030342.

gnomAD v4.1: 14 of 1,613,370 alleles (0.00087%); highest among the groups gnomAD compares: Admixed American, 0.018%; 1 homozygote.

Submissions (2):

Ambry Genetics
Classification: Uncertain significance for Inborn genetic diseases. Last evaluated: 2025-11-13. Review status: criteria provided, single submitter. Criteria: Ambry Variant Classification Scheme 2023. Collection method: clinical testing. Allele origin: germline.

PreventionGenetics, part of Exact Sciences
Classification: Uncertain significance for RPH3A-related condition. Last evaluated: 2024-07-23. Review status: no assertion criteria provided. Collection method: clinical testing. Allele origin: germline. Not counted in ClinVar's aggregate classification.
Comment: The RPH3A c.1049G>A variant is predicted to result in the amino acid substitution p.Ser350Asn. To our knowledge, this variant has not been reported in the literature. This variant is reported in 0.0088% of alleles in individuals of Latino descent in gnomAD, including one homozygote. At this time, the clinical significance of this variant is uncertain due to the absence of conclusive functional and genetic evidence.

NM_001143854.2(RPH3A):c.1049G>A (p.Ser350Asn)

Gene: RPH3A (rabphilin 3A; plus strand). Cytogenetic location: 12q24.13.
Variant type: single nucleotide variant.
Coding change: c.1049G>A on transcript NM_001143854.2 (MANE Select); coding-DNA position 1049, G replaced by A.
Protein change: p.Ser350Asn; replaces serine 350 with asparagine.
Molecular consequence: missense variant. On other transcripts: non-coding transcript variant (2).
Genome position (GRCh38, 1-based): chr12:112,876,744, G>A. VCF-style: chr12-112876744-G-A. GRCh37 (hg19) VCF-style: chr12-113314549-G-A.
Other names: c.1049G>A (NM_001143854.1); c.848G>A, p.Ser283Asn (NM_001347955.2); c.1037G>A, p.Ser346Asn (NM_014954.4); c.1049G>A, p.Ser350Asn (NM_001347952.2, NM_001347953.1, NM_001347954.2); short protein forms S283N, S346N, S350N.
Identifiers: ClinVar variation 3351149 (VCV003351149.2).